The following is an entry in ClinVar:

NM_000254.3(MTR):c.-6G>C

Gene: MTR (5-methyltetrahydrofolate-homocysteine methyltransferase; plus strand). Cytogenetic location: 1q43.
Variant type: single nucleotide variant.
Coding change: c.-6G>C on transcript NM_000254.3 (MANE Select); 6 bases upstream of the start codon, G replaced by C.
Molecular consequence: 5 prime UTR variant.
Genome position (GRCh38, 1-based): chr1:236,795,698, G>C. VCF-style: chr1-236795698-G-C. GRCh37 (hg19) VCF-style: chr1-236958998-G-C.
Other names: c.-6G>C (NM_001291939.1); c.-1114G>C (NM_001291940.2).
Identifiers: ClinVar variation 296546 (VCV000296546.42), dbSNP rs183719210, ClinGen allele CA1473587.
Genomic context (GRCh38, chr1:236,795,698, plus strand): 5'-CGTCGTCACCTGTGGAGAGCACGTCTTCTCTGCCGCGCCCTCTGCGCAAGGAGGAGACTC[G>C]ACAACATGTCACCCGCGCTCCAAGACCTGTCGCAACCCGGTAACGCTGCGACCCCGTCTG-3'

ClinVar aggregate classification (germline): Conflicting classifications of pathogenicity. Review status: criteria provided, conflicting classifications (1 of 4 stars). 5 submissions from 5 submitters: Uncertain significance (3); Likely benign (2). Last evaluated 2026-08-05.

Conditions:
MTR-related disorder. Also called: MTR-related condition.
Disorders of Intracellular Cobalamin Metabolism. Identifiers: MedGen CN043592.

Allele frequency attached by ClinVar (database versions not stated): ExAC 0.00074; gnomAD exomes 0.00083; TOPMed 0.00110; ESP Exome Variant Server 0.00115; 1000 Genomes Project 0.00120; gnomAD 0.00123; 1000 Genomes Project 30x 0.00172.
gnomAD v4.1: 2,657 of 1,614,124 alleles (0.16%); highest among the groups gnomAD compares: Middle Eastern, 0.36%; 7 homozygotes.

Submissions (5):

PreventionGenetics, part of Exact Sciences
Classification: Likely benign for MTR-related condition. Last evaluated: 2026-08-05. Review status: criteria provided, single submitter. Criteria: ACMG Guidelines, 2015. Collection method: clinical testing. Allele origin: germline.
Comment: This variant is classified as likely benign based on ACMG/AMP sequence variant interpretation guidelines (Richards et al. 2015 PMID: 25741868, with internal and published modifications).

Blueprint Genetics
Classification: Likely benign. Last evaluated: 2024-11-13. Review status: criteria provided, single submitter. Criteria: ACMG Guidelines, 2015. Collection method: clinical testing. Allele origin: germline.

GeneDx
Classification: Uncertain significance. Last evaluated: 2022-12-16. Review status: criteria provided, single submitter. Criteria: GeneDx Variant Classification Process June 2021. Collection method: clinical testing. Allele origin: germline. Affected: yes.
Comment: Nucleotide substitution has no predicted effect on splicing and is not conserved across species; Has not been previously published as pathogenic or benign to our knowledge; In the absence of RNA/functional studies, the actual effect of this sequence change is unknown

CeGaT Center for Human Genetics Tuebingen
Classification: Uncertain significance. Last evaluated: 2022-02-01. Review status: criteria provided, single submitter. Criteria: CeGaT Center For Human Genetics Tuebingen Variant Classification Criteria Version 2. Collection method: clinical testing. Allele origin: germline. Affected: yes. Observed: 1 variant allele.

Illumina Laboratory Services, Illumina
Classification: Uncertain significance for Disorders of Intracellular Cobalamin Metabolism. Last evaluated: 2018-01-12. Review status: criteria provided, single submitter. Criteria: ICSL Variant Classification Criteria 13 December 2019. Collection method: clinical testing. Allele origin: germline.